The following is an entry in ClinVar:

ClinVar aggregate classification (germline): Likely benign (0 of 4 stars; one submission).

Conditions:
TUBA4A-related disorder. Also called: TUBA4A-related condition.

Submission:

PreventionGenetics, part of Exact Sciences
Classification: Likely benign for TUBA4A-related condition. Last evaluated: 2023-10-03. Review status: no assertion criteria provided. Collection method: clinical testing. Allele origin: germline.
Comment: This variant is classified as likely benign based on ACMG/AMP sequence variant interpretation guidelines (Richards et al. 2015 PMID: 25741868, with internal and published modifications).

NM_006000.3(TUBA4A):c.1173G>A (p.Leu391=)

Gene: TUBA4A (tubulin alpha 4a; minus strand). Cytogenetic location: 2q35.
Variant type: single nucleotide variant.
Coding change: c.1173G>A on transcript NM_006000.3 (MANE Select); coding-DNA position 1173, G replaced by A.
Protein change: p.Leu391=; no amino-acid change (leucine 391 retained).
Molecular consequence: synonymous variant.
Genome position (GRCh38, 1-based): chr2:219,250,526, C>T on the plus strand (G>A on the coding strand, the complement: TUBA4A is on the minus strand). VCF-style: chr2-219250526-C-T. GRCh37 (hg19) VCF-style: chr2-220115248-C-T.
Other names: c.1128G>A, p.Leu376= (NM_001278552.2).
Identifiers: ClinVar variation 3353673 (VCV003353673.1).